The following is an entry in ClinVar:

NM_015102.5(NPHP4):c.3337G>A (p.Gly1113Ser)

Gene: NPHP4 (nephrocystin 4; minus strand). Cytogenetic location: 1p36.31.
Variant type: single nucleotide variant.
Coding change: c.3337G>A on transcript NM_015102.5 (MANE Select); coding-DNA position 3337, G replaced by A.
Protein change: p.Gly1113Ser; replaces glycine 1113 with serine.
Molecular consequence: missense variant. On other transcripts: non-coding transcript variant (1).
Genome position (GRCh38, 1-based): chr1:5,867,875, C>T on the plus strand (G>A on the coding strand, the complement: NPHP4 is on the minus strand). VCF-style: chr1-5867875-C-T. GRCh37 (hg19) VCF-style: chr1-5927935-C-T.
Other names: c.1798G>A, p.Gly600Ser (NM_001291593.2); c.1801G>A, p.Gly601Ser (NM_001291594.2); short protein forms G600S, G601S, G1113S.
Identifiers: ClinVar variation 1507715 (VCV001507715.8), dbSNP rs2100470828, ClinGen allele CA338052700.

ClinVar aggregate classification (germline): Uncertain significance (1 of 4 stars; one submission).

Conditions:
Nephronophthisis. Also called: Juvenile Nephronophthisis. Identifiers: Orphanet 655, MedGen C0687120, MONDO:0019005, HP:0000090.

Submission:

Labcorp Genetics (formerly Invitae), Labcorp
Classification: Uncertain significance for Nephronophthisis. Last evaluated: 2021-02-04. Review status: criteria provided, single submitter. Criteria: Invitae Variant Classification Sherloc (09022015). Collection method: clinical testing. Allele origin: germline.
Comment: In summary, the available evidence is currently insufficient to determine the role of this variant in disease. Therefore, it has been classified as a Variant of Uncertain Significance. Algorithms developed to predict the effect of missense changes on protein structure and function are either unavailable or do not agree on the potential impact of this missense change (SIFT: "Tolerated"; PolyPhen-2: "Probably Damaging"; Align-GVGD: "Class C0"). This variant has not been reported in the literature in individuals with NPHP4-related conditions. This variant is not present in population databases (ExAC no frequency). This sequence change replaces glycine with serine at codon 1113 of the NPHP4 protein (p.Gly1113Ser). The glycine residue is highly conserved and there is a small physicochemical difference between glycine and serine.